The following is an entry in ClinVar:

NM_006231.4(POLE):c.664C>A (p.Arg222Ser)

Gene: POLE (DNA polymerase epsilon, catalytic subunit; minus strand). Cytogenetic location: 12q24.33.
Variant type: single nucleotide variant.
Coding change: c.664C>A on transcript NM_006231.4 (MANE Select); coding-DNA position 664, C replaced by A.
Protein change: p.Arg222Ser; replaces arginine 222 with serine.
Molecular consequence: missense variant.
Genome position (GRCh38, 1-based): chr12:132,677,634, G>T on the plus strand (C>A on the coding strand, the complement: POLE is on the minus strand). VCF-style: chr12-132677634-G-T. GRCh37 (hg19) VCF-style: chr12-133254220-G-T.
Other names: short protein forms R222S.
Identifiers: ClinVar variation 653929 (VCV000653929.13), dbSNP rs767503360, ClinGen allele CA387364943.

ClinVar aggregate classification (germline): Uncertain significance. Review status: criteria provided, multiple submitters, no conflicts (2 of 4 stars). 3 submissions from 3 submitters: Uncertain significance (3). Last evaluated 2025-11-23.

Conditions:
Hereditary cancer-predisposing syndrome. Also called: Neoplastic Syndromes, Hereditary; Tumor predisposition; Hereditary Cancer Syndrome; Hereditary neoplastic syndrome. Identifiers: Orphanet 140162, MedGen C0027672, MeSH D009386, MONDO:0015356.

Allele frequency attached by ClinVar (database versions not stated): gnomAD 0.00001; TOPMed 0.00001.
gnomAD v4.1: 1 of 1,614,008 alleles (0.000062%); highest among the groups gnomAD compares: African/African-American, 0.0013%; no homozygotes.

Submissions (3):

Labcorp Genetics (formerly Invitae), Labcorp
Classification: Uncertain significance. Last evaluated: 2025-11-23. Review status: criteria provided, single submitter. Criteria: Invitae Variant Classification Sherloc (09022015). Collection method: clinical testing. Allele origin: germline.
Comment: This sequence change replaces arginine, which is basic and polar, with serine, which is neutral and polar, at codon 222 of the POLE protein (p.Arg222Ser). This variant is not present in population databases (gnomAD no frequency). This variant has not been reported in the literature in individuals affected with POLE-related conditions. ClinVar contains an entry for this variant (Variation ID: 653929). Invitae Evidence Modeling of protein sequence and biophysical properties (such as structural, functional, and spatial information, amino acid conservation, physicochemical variation, residue mobility, and thermodynamic stability) indicates that this missense variant is expected to disrupt POLE protein function with a positive predictive value of 80%. In summary, the available evidence is currently insufficient to determine the role of this variant in disease. Therefore, it has been classified as a Variant of Uncertain Significance.

Ambry Genetics
Classification: Uncertain significance for Hereditary cancer-predisposing syndrome. Last evaluated: 2025-02-13. Review status: criteria provided, single submitter. Criteria: Ambry Variant Classification Scheme 2023. Collection method: clinical testing. Allele origin: germline.
Comment: The p.R222S variant (also known as c.664C>A), located in coding exon 7 of the POLE gene, results from a C to A substitution at nucleotide position 664. The arginine at codon 222 is replaced by serine, an amino acid with dissimilar properties. This amino acid position is highly conserved in available vertebrate species. In addition, the in silico prediction for this alteration is inconclusive. Based on the available evidence, the clinical significance of this variant remains unclear.

GeneDx
Classification: Uncertain significance. Last evaluated: 2021-01-07. Review status: criteria provided, single submitter. Criteria: GeneDx Variant Classification Process June 2021. Collection method: clinical testing. Allele origin: germline. Affected: yes.
Comment: Not observed in large population cohorts (Lek 2016); In silico analysis supports that this missense variant has a deleterious effect on protein structure/function; Has not been previously published as germline pathogenic or benign variant to our knowledge; This variant is associated with the following publications: (PMID: 29056344)